The following is an entry in ClinVar:

NM_015512.5(DNAH1):c.3169G>A (p.Val1057Met)

Gene: DNAH1 (dynein axonemal heavy chain 1; plus strand). Cytogenetic location: 3p21.1.
Variant type: single nucleotide variant.
Coding change: c.3169G>A on transcript NM_015512.5 (MANE Select); coding-DNA position 3169, G replaced by A.
Protein change: p.Val1057Met; replaces valine 1057 with methionine.
Molecular consequence: missense variant.
Genome position (GRCh38, 1-based): chr3:52,353,244, G>A. VCF-style: chr3-52353244-G-A. GRCh37 (hg19) VCF-style: chr3-52387260-G-A.
Other names: short protein forms V1057M.
Identifiers: ClinVar variation 1039842 (VCV001039842.5), dbSNP rs570416427, ClinGen allele CA2433492.

ClinVar aggregate classification (germline): Uncertain significance (1 of 4 stars; one submission).

Conditions:
Spermatogenic failure 18. Identifiers: MedGen C4539783, MONDO:0054615, OMIM 617576.
Ciliary dyskinesia, primary, 37 (CILD37). Also called: CILIARY DYSKINESIA, PRIMARY, 37, WITH OR WITHOUT SITUS INVERSUS. Identifiers: MedGen C4539798, MONDO:0033204, OMIM 617577.

Allele frequency attached by ClinVar (database versions not stated): TOPMed below 0.00001; gnomAD exomes 0.00001; ExAC 0.00002; 1000 Genomes Project 30x 0.00016; 1000 Genomes Project 0.00020.
gnomAD v4.1: 16 of 1,614,018 alleles (0.00099%); highest among the groups gnomAD compares: Middle Eastern, 0.016%; no homozygotes.

Submission:

Labcorp Genetics (formerly Invitae), Labcorp
Classification: Uncertain significance for Ciliary dyskinesia, primary, 37; Spermatogenic failure 18. Last evaluated: 2020-03-23. Review status: criteria provided, single submitter. Criteria: Invitae Variant Classification Sherloc (09022015). Collection method: clinical testing. Allele origin: germline.
Comment: This sequence change replaces valine with methionine at codon 1057 of the DNAH1 protein (p.Val1057Met). The valine residue is highly conserved and there is a small physicochemical difference between valine and methionine. In summary, the available evidence is currently insufficient to determine the role of this variant in disease. Therefore, it has been classified as a Variant of Uncertain Significance. Algorithms developed to predict the effect of missense changes on protein structure and function are either unavailable or do not agree on the potential impact of this missense change (SIFT: "Deleterious"; PolyPhen-2: "Probably Damaging"; Align-GVGD: "Class C15"). This variant has not been reported in the literature in individuals with DNAH1-related conditions. This variant is present in population databases (rs570416427, ExAC 0.01%).